The following is an entry in ClinVar:

NM_004006.3(DMD):c.1637G>C (p.Trp546Ser)

Gene: DMD (dystrophin; minus strand). Cytogenetic location: Xp21.1.
Variant type: single nucleotide variant.
Coding change: c.1637G>C on transcript NM_004006.3 (MANE Select); coding-DNA position 1637, G replaced by C.
Protein change: p.Trp546Ser; replaces tryptophan 546 with serine.
Molecular consequence: missense variant.
Genome position (GRCh38, 1-based): chrX:32,573,812, C>G on the plus strand (G>C on the coding strand, the complement: DMD is on the minus strand). VCF-style: chrX-32573812-C-G. GRCh37 (hg19) VCF-style: chrX-32591929-C-G.
Other names: c.1613G>C, p.Trp538Ser (NM_000109.4); c.1625G>C, p.Trp542Ser (NM_004009.3); c.1268G>C, p.Trp423Ser (NM_004010.3); short protein forms W423S, W542S, W538S, W546S.
Identifiers: ClinVar variation 1444374 (VCV001444374.7), dbSNP rs1057518962, ClinGen allele CA412673462.

ClinVar aggregate classification (germline): Uncertain significance (1 of 4 stars; one submission).

Conditions:
Duchenne muscular dystrophy (DMD). Also called: Duchenne Muscular Dystrophy (DMD); MUSCULAR DYSTROPHY, PSEUDOHYPERTROPHIC PROGRESSIVE, DUCHENNE TYPE. Identifiers: Orphanet 98896, MedGen C0013264, MONDO:0010679, OMIM 310200.

Allele frequency attached by ClinVar (database versions not stated): TOPMed below 0.00001; gnomAD 0.00002.
gnomAD v4.1: 4 of 1,209,588 alleles (0.00033%); highest among the groups gnomAD compares: Non-Finnish European, 0.00045%; no homozygotes.

Submission:

Labcorp Genetics (formerly Invitae), Labcorp
Classification: Uncertain significance for Duchenne muscular dystrophy. Last evaluated: 2024-06-12. Review status: criteria provided, single submitter. Criteria: Invitae Variant Classification Sherloc (09022015). Collection method: clinical testing. Allele origin: germline.
Comment: This sequence change replaces tryptophan, which is neutral and slightly polar, with serine, which is neutral and polar, at codon 546 of the DMD protein (p.Trp546Ser). This variant is present in population databases (no rsID available, gnomAD 0.001%). This variant has not been reported in the literature in individuals affected with DMD-related conditions. ClinVar contains an entry for this variant (Variation ID: 1444374). Advanced modeling of protein sequence and biophysical properties (such as structural, functional, and spatial information, amino acid conservation, physicochemical variation, residue mobility, and thermodynamic stability) has been performed at Invitae for this missense variant, however the output from this modeling did not meet the statistical confidence thresholds required to predict the impact of this variant on DMD protein function. In summary, the available evidence is currently insufficient to determine the role of this variant in disease. Therefore, it has been classified as a Variant of Uncertain Significance.